The following is an entry in ClinVar:

ClinVar aggregate classification (germline): Uncertain significance (1 of 4 stars; one submission).

Conditions:
Glycogen storage disease, type VII (GSD7). Also called: MUSCLE PHOSPHOFRUCTOKINASE DEFICIENCY; PFKM DEFICIENCY; TARUI DISEASE; GSD VII. Identifiers: Orphanet 371, MedGen C0017926, MONDO:0009295, OMIM 232800.

Submission:

Labcorp Genetics (formerly Invitae), Labcorp
Classification: Uncertain significance for Glycogen storage disease, type VII. Last evaluated: 2022-08-16. Review status: criteria provided, single submitter. Criteria: Invitae Variant Classification Sherloc (09022015). Collection method: clinical testing. Allele origin: germline.
Comment: In summary, the available evidence is currently insufficient to determine the role of this variant in disease. Therefore, it has been classified as a Variant of Uncertain Significance. Algorithms developed to predict the effect of sequence changes on RNA splicing suggest that this variant may create or strengthen a splice site. ClinVar contains an entry for this variant (Variation ID: 1449267). This variant has not been reported in the literature in individuals affected with PFKM-related conditions. This variant is not present in population databases (gnomAD no frequency). This sequence change falls in intron 13 of the PFKM gene. It does not directly change the encoded amino acid sequence of the PFKM protein.

NM_000289.6(PFKM):c.1191+12T>G

Gene: PFKM (phosphofructokinase, muscle; plus strand). Cytogenetic location: 12q13.11.
Variant type: single nucleotide variant.
Coding change: c.1191+12T>G on transcript NM_000289.6 (MANE Select); 12 bases into the intron after coding-DNA position 1191, T replaced by G.
Molecular consequence: intron variant.
Genome position (GRCh38, 1-based): chr12:48,139,924, T>G. VCF-style: chr12-48139924-T-G. GRCh37 (hg19) VCF-style: chr12-48533707-T-G.
Other names: c.1215+12T>G (NM_001354741.2); c.1191+12T>G (NM_001354742.2, NM_001354743.2, NM_001354744.2 and 2 more transcripts); c.1041+12T>G (NM_001354747.2, NM_001354748.2); c.1404+12T>G (NM_001166686.2, NM_001354737.1, NM_001354739.1 and 1 more transcripts); c.1500+12T>G (NM_001354736.1, NM_001354735.1); c.1335+12T>G (NM_001354740.1); c.1104+12T>G (NM_001354745.2); c.1065+12T>G (NM_001354746.2); and 1 more.
Identifiers: ClinVar variation 1449267 (VCV001449267.6), dbSNP rs2135983216, ClinGen allele CA2573148758.